The following is an entry in ClinVar:

ClinVar aggregate classification (germline): Uncertain significance (1 of 4 stars; one submission).

gnomAD v4.1: 5 of 1,614,134 alleles (0.00031%); highest among the groups gnomAD compares: Non-Finnish European, 0.00034%; no homozygotes.

Submission:

Labcorp Genetics (formerly Invitae), Labcorp
Classification: Uncertain significance. Last evaluated: 2022-05-29. Review status: criteria provided, single submitter. Criteria: Invitae Variant Classification Sherloc (09022015). Collection method: clinical testing. Allele origin: germline.
Comment: This sequence change replaces alanine, which is neutral and non-polar, with proline, which is neutral and non-polar, at codon 1074 of the COL11A2 protein (p.Ala1074Pro). This variant is not present in population databases (gnomAD no frequency). This variant has not been reported in the literature in individuals affected with COL11A2-related conditions. Advanced modeling of protein sequence and biophysical properties (such as structural, functional, and spatial information, amino acid conservation, physicochemical variation, residue mobility, and thermodynamic stability) performed at Invitae indicates that this missense variant is not expected to disrupt COL11A2 protein function. In summary, the available evidence is currently insufficient to determine the role of this variant in disease. Therefore, it has been classified as a Variant of Uncertain Significance.

NM_080680.3(COL11A2):c.3220G>C (p.Ala1074Pro)

Gene: COL11A2 (collagen type XI alpha 2 chain; minus strand). Cytogenetic location: 6p21.32.
Variant type: single nucleotide variant.
Coding change: c.3220G>C on transcript NM_080680.3 (MANE Select); coding-DNA position 3220, G replaced by C.
Protein change: p.Ala1074Pro; replaces alanine 1074 with proline.
Molecular consequence: missense variant.
Genome position (GRCh38, 1-based): chr6:33,171,505, C>G on the plus strand (G>C on the coding strand, the complement: COL11A2 is on the minus strand). VCF-style: chr6-33171505-C-G. GRCh37 (hg19) VCF-style: chr6-33139282-C-G.
Other names: c.2899G>C, p.Ala967Pro (NM_080679.3); c.2962G>C, p.Ala988Pro (NM_080681.3); short protein forms A988P, A967P, A1074P.
Identifiers: ClinVar variation 1955233 (VCV001955233.2), dbSNP rs1583311659, ClinGen allele CA363636020.